The following is an entry in ClinVar:

NM_001163809.2(WDR81):c.5149G>A (p.Gly1717Arg)

Gene: WDR81 (WD repeat domain 81; plus strand). Cytogenetic location: 17p13.3.
Variant type: single nucleotide variant.
Coding change: c.5149G>A on transcript NM_001163809.2 (MANE Select); coding-DNA position 5149, G replaced by A.
Protein change: p.Gly1717Arg; replaces glycine 1717 with arginine.
Molecular consequence: missense variant.
Genome position (GRCh38, 1-based): chr17:1,734,186, G>A. VCF-style: chr17-1734186-G-A. GRCh37 (hg19) VCF-style: chr17-1637480-G-A.
Other names: c.1540G>A, p.Gly514Arg (NM_001163673.2); c.1468G>A, p.Gly490Arg (NM_001163811.2); c.1996G>A, p.Gly666Arg (NM_152348.4); short protein forms G666R, G490R, G1717R, G514R.
Identifiers: ClinVar variation 2459778 (VCV002459778.5), dbSNP rs567180491, ClinGen allele CA8273767.

ClinVar aggregate classification (germline): Uncertain significance. Review status: criteria provided, multiple submitters, no conflicts (2 of 4 stars). 3 submissions from 3 submitters: Uncertain significance (3). Last evaluated 2025-07-14.

Conditions:
WDR81-related disorder. Also called: WDR81-related condition.
Inborn genetic diseases. Identifiers: MedGen C0950123, MeSH D030342.

Allele frequency attached by ClinVar (database versions not stated): TOPMed 0.00003; gnomAD 0.00005; 1000 Genomes Project 30x 0.00016; 1000 Genomes Project 0.00020; ExAC 0.00003.

Submissions (3):

Ambry Genetics
Classification: Uncertain significance for Inborn genetic diseases. Last evaluated: 2025-07-14. Review status: criteria provided, single submitter. Criteria: Ambry Variant Classification Scheme 2023. Collection method: clinical testing. Allele origin: germline.

PreventionGenetics, part of Exact Sciences
Classification: Uncertain significance for WDR81-related condition. Last evaluated: 2025-01-10. Review status: criteria provided, single submitter. Criteria: ACMG Guidelines, 2015. Collection method: clinical testing. Allele origin: germline.
Comment: The WDR81 c.5149G>A variant is predicted to result in the amino acid substitution p.Gly1717Arg. To our knowledge, this variant has not been reported in the literature. This variant is reported in 0.011% of alleles in individuals of East Asian descent in gnomAD. At this time, the clinical significance of this variant is uncertain due to the absence of conclusive functional and genetic evidence.

Blueprint Genetics
Classification: Uncertain significance. Last evaluated: 2021-08-25. Review status: criteria provided, single submitter. Criteria: ACMG Guidelines, 2015. Collection method: clinical testing. Allele origin: germline.